The following is an entry in ClinVar:

NM_000238.4(KCNH2):c.451C>T (p.Pro151Ser)

Gene: KCNH2 (potassium voltage-gated channel subfamily H member 2; minus strand). Cytogenetic location: 7q36.1.
Variant type: single nucleotide variant.
Coding change: c.451C>T on transcript NM_000238.4 (MANE Select); coding-DNA position 451, C replaced by T.
Protein change: p.Pro151Ser; replaces proline 151 with serine.
Molecular consequence: missense variant.
Genome position (GRCh38, 1-based): chr7:150,959,593, G>A on the plus strand (C>T on the coding strand, the complement: KCNH2 is on the minus strand). VCF-style: chr7-150959593-G-A. GRCh37 (hg19) VCF-style: chr7-150656681-G-A.
Other names: c.163C>T, p.Pro55Ser (NM_001406753.1, NM_001406756.1); c.274C>T, p.Pro92Ser (NM_001406755.1); c.151C>T, p.Pro51Ser (NM_001406757.1); c.451C>T, p.Pro151Ser (NM_172056.3); short protein forms P151S, P51S, P92S, P55S.
Identifiers: ClinVar variation 1026596 (VCV001026596.9), dbSNP rs1060500674, ClinGen allele CA369863631.

ClinVar aggregate classification (germline): Uncertain significance. Review status: criteria provided, multiple submitters, no conflicts (2 of 4 stars). 2 submissions from 2 submitters: Uncertain significance (2). Last evaluated 2025-06-12.

Conditions:
Cardiac arrhythmia. Also called: Cardiac rhythm disease; Arrhythmia. Identifiers: MedGen C0003811, MONDO:0007263, HP:0011675.
Long QT syndrome (LQTS). Identifiers: MedGen C0023976, MeSH D008133, MONDO:0002442. Disease mechanism: loss of function. Inheritance: Various modes of inheritance.

Submissions (2):

Color Diagnostics, LLC DBA Color Health
Classification: Uncertain significance for Cardiac arrhythmia. Last evaluated: 2025-06-12. Review status: criteria provided, single submitter. Criteria: ACMG Guidelines, 2015. Collection method: clinical testing. Allele origin: germline.
Comment: This missense variant replaces proline with serine at codon 151 of the KCNH2 protein. Computational prediction suggests that this variant may not impact protein structure and function. To our knowledge, functional studies have not been reported for this variant. This variant has not been reported in individuals affected with KCNH2-related disorders in the literature. This variant has not been identified in the general population by the Genome Aggregation Database (gnomAD). The available evidence is insufficient to determine the role of this variant in disease conclusively. Therefore, this variant is classified as a Variant of Uncertain Significance.

Labcorp Genetics (formerly Invitae), Labcorp
Classification: Uncertain significance for Long QT syndrome. Last evaluated: 2022-05-10. Review status: criteria provided, single submitter. Criteria: Invitae Variant Classification Sherloc (09022015). Collection method: clinical testing. Allele origin: germline.
Comment: This sequence change replaces proline, which is neutral and non-polar, with serine, which is neutral and polar, at codon 151 of the KCNH2 protein (p.Pro151Ser). This variant is not present in population databases (gnomAD no frequency). This variant has not been reported in the literature in individuals affected with KCNH2-related conditions. ClinVar contains an entry for this variant (Variation ID: 1026596). Algorithms developed to predict the effect of missense changes on protein structure and function output the following: SIFT: "Tolerated"; PolyPhen-2: "Benign"; Align-GVGD: "Class C0". The serine amino acid residue is found in multiple mammalian species, which suggests that this missense change does not adversely affect protein function. In summary, the available evidence is currently insufficient to determine the role of this variant in disease. Therefore, it has been classified as a Variant of Uncertain Significance.